The following is an entry in ClinVar:

NM_020436.5(SALL4):c.1890C>A (p.Ile630=)

Gene: SALL4 (spalt like transcription factor 4; minus strand). Cytogenetic location: 20q13.2.
Variant type: single nucleotide variant.
Coding change: c.1890C>A on transcript NM_020436.5 (MANE Select); coding-DNA position 1890, C replaced by A.
Protein change: p.Ile630=; no amino-acid change (isoleucine 630 retained).
Molecular consequence: synonymous variant. On other transcripts: intron variant (1).
Genome position (GRCh38, 1-based): chr20:51,790,593, G>T on the plus strand (C>A on the coding strand, the complement: SALL4 is on the minus strand). VCF-style: chr20-51790593-G-T. GRCh37 (hg19) VCF-style: chr20-50407132-G-T.
Other names: c.1150+740C>A (NM_001318031.2).
Identifiers: ClinVar variation 668210 (VCV000668210.1), dbSNP rs1601169000, ClinGen allele CA511026280.

ClinVar aggregate classification (germline): Likely benign (1 of 4 stars; one submission).

Allele frequency attached by ClinVar (database versions not stated): gnomAD exomes below 0.00001.

Submission:

GeneDx
Classification: Likely benign. Last evaluated: 2018-05-04. Review status: criteria provided, single submitter. Criteria: GeneDx Variant Classification (06012015). Collection method: clinical testing. Allele origin: germline. Affected: yes.
Comment: This variant is considered likely benign or benign based on one or more of the following criteria: it is a conservative change, it occurs at a poorly conserved position in the protein, it is predicted to be benign by multiple in silico algorithms, and/or has population frequency not consistent with disease.